The following is an entry in ClinVar:

ClinVar aggregate classification (germline): Uncertain significance. Review status: criteria provided, multiple submitters, no conflicts (2 of 4 stars). 4 submissions from 4 submitters: Uncertain significance (4). Last evaluated 2026-06-08.

Conditions:
Senior-Loken syndrome 4 (SLSN4). Identifiers: Orphanet 3156, MedGen C1846979, MONDO:0011756, OMIM 606996.
Nephronophthisis 4 (NPHP4). Also called: NEPHRONOPHTHISIS 4, JUVENILE. Identifiers: Orphanet 655, MedGen C1847013, MONDO:0011752, OMIM 606966.
NPHP4-related disorder. Also called: NPHP4-related condition; NPHP4-related disorders. Identifiers: MedGen CN239384.
Nephronophthisis. Also called: Juvenile Nephronophthisis. Identifiers: Orphanet 655, MedGen C0687120, MONDO:0019005, HP:0000090.

Allele frequency attached by ClinVar (database versions not stated): ESP Exome Variant Server 0.00008; gnomAD exomes 0.00002 and 0.00004; ExAC 0.00003; gnomAD 0.00004; TOPMed 0.00005.
gnomAD v4.1: 36 of 1,613,614 alleles (0.0022%); highest among the groups gnomAD compares: Middle Eastern, 0.033%; no homozygotes.

Submissions (4):

PreventionGenetics, part of Exact Sciences
Classification: Uncertain significance for NPHP4-related condition. Last evaluated: 2026-06-08. Review status: criteria provided, single submitter. Criteria: ACMG Guidelines, 2015. Collection method: clinical testing. Allele origin: germline.
Comment: The NPHP4 c.593C>T variant is predicted to result in the amino acid substitution p.Ala198Val. To our knowledge, this variant has not been reported in the literature. This variant is reported in 0.0070% of alleles in individuals of European (Non-Finnish) descent in gnomAD. At this time, the clinical significance of this variant is uncertain due to the absence of conclusive functional and genetic evidence.

Labcorp Genetics (formerly Invitae), Labcorp
Classification: Uncertain significance for Nephronophthisis. Last evaluated: 2024-04-01. Review status: criteria provided, single submitter. Criteria: Invitae Variant Classification Sherloc (09022015). Collection method: clinical testing. Allele origin: germline.
Comment: This sequence change replaces alanine, which is neutral and non-polar, with valine, which is neutral and non-polar, at codon 198 of the NPHP4 protein (p.Ala198Val). This variant is present in population databases (rs370410995, gnomAD 0.006%). This variant has not been reported in the literature in individuals affected with NPHP4-related conditions. ClinVar contains an entry for this variant (Variation ID: 853792). Advanced modeling of protein sequence and biophysical properties (such as structural, functional, and spatial information, amino acid conservation, physicochemical variation, residue mobility, and thermodynamic stability) performed at Invitae indicates that this missense variant is not expected to disrupt NPHP4 protein function with a negative predictive value of 80%. In summary, the available evidence is currently insufficient to determine the role of this variant in disease. Therefore, it has been classified as a Variant of Uncertain Significance.

Fulgent Genetics
Classification: Uncertain significance for Nephronophthisis 4; Senior-Loken syndrome 4. Last evaluated: 2022-02-05. Review status: criteria provided, single submitter. Criteria: ACMG Guidelines, 2015. Collection method: clinical testing. Allele origin: unknown.

AiLife Diagnostics
Classification: Uncertain significance. Last evaluated: 2022-01-31. Review status: criteria provided, single submitter. Criteria: ACMG Guidelines, 2015. Collection method: clinical testing. Allele origin: germline. Affected: yes. Observed: 1 variant allele.

NM_015102.5(NPHP4):c.593C>T (p.Ala198Val)

Gene: NPHP4 (nephrocystin 4; minus strand). Cytogenetic location: 1p36.31.
Variant type: single nucleotide variant.
Coding change: c.593C>T on transcript NM_015102.5 (MANE Select); coding-DNA position 593, C replaced by T.
Protein change: p.Ala198Val; replaces alanine 198 with valine.
Molecular consequence: missense variant. On other transcripts: 5 prime UTR variant (2), non-coding transcript variant (1).
Genome position (GRCh38, 1-based): chr1:5,961,874, G>A on the plus strand (C>T on the coding strand, the complement: NPHP4 is on the minus strand). VCF-style: chr1-5961874-G-A. GRCh37 (hg19) VCF-style: chr1-6021934-G-A.
Other names: c.-637C>T (NM_001291593.2); c.-774C>T (NM_001291594.2); short protein forms A198V.
Identifiers: ClinVar variation 853792 (VCV000853792.10), dbSNP rs370410995, ClinGen allele CA554796.